The following is an entry in ClinVar:

ClinVar aggregate classification (germline): Uncertain significance (1 of 4 stars; one submission).

Submission:

Labcorp Genetics (formerly Invitae), Labcorp
Classification: Uncertain significance. Last evaluated: 2024-06-02. Review status: criteria provided, single submitter. Criteria: Invitae Variant Classification Sherloc (09022015). Collection method: clinical testing. Allele origin: germline.
Comment: This sequence change replaces glutamic acid, which is acidic and polar, with lysine, which is basic and polar, at codon 687 of the MYLK3 protein (p.Glu687Lys). This variant is not present in population databases (gnomAD no frequency). This variant has not been reported in the literature in individuals affected with MYLK3-related conditions. An algorithm developed to predict the effect of missense changes on protein structure and function (PolyPhen-2) suggests that this variant is likely to be disruptive. In summary, the available evidence is currently insufficient to determine the role of this variant in disease. Therefore, it has been classified as a Variant of Uncertain Significance.

NM_182493.3(MYLK3):c.2059G>A (p.Glu687Lys)

Gene: MYLK3 (myosin light chain kinase 3; minus strand). Cytogenetic location: 16q11.2.
Variant type: single nucleotide variant.
Coding change: c.2059G>A on transcript NM_182493.3 (MANE Select); coding-DNA position 2059, G replaced by A.
Protein change: p.Glu687Lys; replaces glutamic acid 687 with lysine.
Molecular consequence: missense variant.
Genome position (GRCh38, 1-based): chr16:46,712,703, C>T on the plus strand (G>A on the coding strand, the complement: MYLK3 is on the minus strand). VCF-style: chr16-46712703-C-T. GRCh37 (hg19) VCF-style: chr16-46746615-C-T.
Other names: c.1036G>A, p.Glu346Lys (NM_001308301.1); short protein forms E687K, E346K.
Identifiers: ClinVar variation 3654876 (VCV003654876.2).